The following is an entry in ClinVar:

ClinVar aggregate classification (germline): Uncertain significance. Review status: criteria provided, multiple submitters, no conflicts (2 of 4 stars). 2 submissions from 2 submitters: Uncertain significance (2). Last evaluated 2025-02-07.

Conditions:
Inborn genetic diseases. Identifiers: MedGen C0950123, MeSH D030342.

Allele frequency attached by ClinVar (database versions not stated): gnomAD exomes 0.00002; TOPMed 0.00002; ExAC 0.00003; gnomAD 0.00003.
gnomAD v4.1: 35 of 1,613,264 alleles (0.0022%); highest among the groups gnomAD compares: African/African-American, 0.0093%; no homozygotes.

Submissions (2):

Ambry Genetics
Classification: Uncertain significance for Inborn genetic diseases. Last evaluated: 2025-02-07. Review status: criteria provided, single submitter. Criteria: Ambry Variant Classification Scheme 2023. Collection method: clinical testing. Allele origin: germline.

Labcorp Genetics (formerly Invitae), Labcorp
Classification: Uncertain significance. Last evaluated: 2022-10-14. Review status: criteria provided, single submitter. Criteria: Invitae Variant Classification Sherloc (09022015). Collection method: clinical testing. Allele origin: germline.
Comment: This sequence change replaces threonine, which is neutral and polar, with isoleucine, which is neutral and non-polar, at codon 330 of the PNPLA8 protein (p.Thr330Ile). This variant is present in population databases (rs779909448, gnomAD 0.008%). This variant has not been reported in the literature in individuals affected with PNPLA8-related conditions. Algorithms developed to predict the effect of missense changes on protein structure and function (SIFT, PolyPhen-2, Align-GVGD) all suggest that this variant is likely to be tolerated. In summary, the available evidence is currently insufficient to determine the role of this variant in disease. Therefore, it has been classified as a Variant of Uncertain Significance.

NM_001256007.3(PNPLA8):c.989C>T (p.Thr330Ile)

Gene: PNPLA8 (patatin like domain 8, phospholipase A2; minus strand). Cytogenetic location: 7q31.1.
Variant type: single nucleotide variant.
Coding change: c.989C>T on transcript NM_001256007.3 (MANE Select); coding-DNA position 989, C replaced by T.
Protein change: p.Thr330Ile; replaces threonine 330 with isoleucine.
Molecular consequence: missense variant.
Genome position (GRCh38, 1-based): chr7:108,514,503, G>A on the plus strand (C>T on the coding strand, the complement: PNPLA8 is on the minus strand). VCF-style: chr7-108514503-G-A. GRCh37 (hg19) VCF-style: chr7-108154947-G-A.
Other names: c.989C>T, p.Thr330Ile (NM_001256008.3, NM_001256009.3, NM_015723.5); c.689C>T, p.Thr230Ile (NM_001256010.3, NM_001256011.3); c.989C>T (NM_015723.2); short protein forms T330I, T230I.
Identifiers: ClinVar variation 1980000 (VCV001980000.2), dbSNP rs779909448, ClinGen allele CA4439715.
Genomic context (GRCh38, chr7:108,514,503, plus strand): 5'-CGCTGAAGAGATAAACGCTTTTTCTCCTCTGCATTTCTGTCTTTGCTGACAGCCTGATCA[G>A]TTTTAGCAGGCTCTTCCTGTTCTTCTGACTGACTCTTTGAATCATACTTTAATTTGGGGA-3'
Protein context (NP_001242936.1, residues 320-340): QSEEQEEPAK[Thr330Ile]DQAVSKDRNA